The following is an entry in ClinVar:

ClinVar aggregate classification (germline): Benign. Review status: criteria provided, multiple submitters, no conflicts (2 of 4 stars). 2 submissions from 2 submitters: Benign (2). Last evaluated 2018-06-19.

Allele frequency attached by ClinVar (database versions not stated): 1000 Genomes Project 30x 0.19300; 1000 Genomes Project 0.19509; gnomAD 0.22161 and 0.22174; TOPMed 0.22329.
gnomAD v4.1: 262,043 of 1,003,850 alleles (26%); highest among the groups gnomAD compares: Admixed American, 43%; 37,665 homozygotes.

Submissions (2):

GeneDx
Classification: Benign. Last evaluated: 2018-06-19. Review status: criteria provided, single submitter. Criteria: GeneDx Variant Classification (06012015). Collection method: clinical testing. Allele origin: germline. Affected: yes.
Comment: This variant is considered likely benign or benign based on one or more of the following criteria: it is a conservative change, it occurs at a poorly conserved position in the protein, it is predicted to be benign by multiple in silico algorithms, and/or has population frequency not consistent with disease.

Breakthrough Genomics
Classification: Benign. Review status: criteria provided, single submitter. Criteria: ACMG Guidelines, 2015. Collection method: not provided. Allele origin: germline. Inheritance: Autosomal recessive inheritance. Affected: yes.

NM_002180.3(IGHMBP2):c.1419-145C>T

Gene: IGHMBP2 (immunoglobulin mu DNA binding protein 2; plus strand). Cytogenetic location: 11q13.3.
Variant type: single nucleotide variant.
Coding change: c.1419-145C>T on transcript NM_002180.3 (MANE Select); 145 bases into the intron before coding-DNA position 1419, C replaced by T.
Molecular consequence: intron variant.
Genome position (GRCh38, 1-based): chr11:68,933,650, C>T. VCF-style: chr11-68933650-C-T. GRCh37 (hg19) VCF-style: chr11-68701118-C-T.
Identifiers: ClinVar variation 681884 (VCV000681884.2), dbSNP rs2282504, ClinGen allele CA13486143.